The following is an entry in ClinVar:

ClinVar aggregate classification (germline): Uncertain significance (1 of 4 stars; one submission).

Conditions:
Dyskeratosis congenita. Identifiers: Orphanet 1775, MedGen C0265965, MONDO:0015780.

gnomAD v4.1: 1 of 1,614,026 alleles (0.000062%); highest among the groups gnomAD compares: Non-Finnish European, 0.000085%; no homozygotes.

Submission:

Labcorp Genetics (formerly Invitae), Labcorp
Classification: Uncertain significance for Dyskeratosis congenita. Last evaluated: 2026-01-24. Review status: criteria provided, single submitter. Criteria: Invitae Variant Classification Sherloc (09022015). Collection method: clinical testing. Allele origin: germline.
Comment: This sequence change replaces alanine, which is neutral and non-polar, with serine, which is neutral and polar, at codon 188 of the TINF2 protein (p.Ala188Ser). This variant is present in population databases (no rsID available, gnomAD 0.007%). This variant has not been reported in the literature in individuals affected with TINF2-related conditions. An algorithm developed to predict the effect of missense changes on protein structure and function (PolyPhen-2) suggests that this variant is likely to be disruptive. In summary, the available evidence is currently insufficient to determine the role of this variant in disease. Therefore, it has been classified as a Variant of Uncertain Significance.

NM_001099274.3(TINF2):c.562G>T (p.Ala188Ser)

Gene: TINF2 (TERF1 interacting nuclear factor 2; minus strand). Cytogenetic location: 14q12.
Variant type: single nucleotide variant.
Coding change: c.562G>T on transcript NM_001099274.3 (MANE Select); coding-DNA position 562, G replaced by T.
Protein change: p.Ala188Ser; replaces alanine 188 with serine.
Molecular consequence: missense variant.
Genome position (GRCh38, 1-based): chr14:24,241,062, C>A on the plus strand (G>T on the coding strand, the complement: TINF2 is on the minus strand). VCF-style: chr14-24241062-C-A. GRCh37 (hg19) VCF-style: chr14-24710268-C-A.
Other names: c.457G>T, p.Ala153Ser (NM_001363668.2); c.562G>T, p.Ala188Ser (NM_012461.3); short protein forms A153S, A188S.
Identifiers: ClinVar variation 4808912 (VCV004808912.1).
Genomic context (GRCh38, chr14:24,241,062, plus strand): 5'-CCTCCAAATTCCTAGTACCTGGAAGCAGCCACCCCATGTCCACACCATATTGTCTCCAGG[C>A]AAGAGAAGAGGTGATAGAGACTCCAGGCTGCATCCAACTCAGCACATCCTGAAGCTGTGG-3'
Protein context (NP_001092744.1, residues 178-198): QPGVSITSSL[Ala188Ser]WRQYGVDMGW